The following is an entry in ClinVar:

NM_000501.4(ELN):c.2032+1G>A

Gene: ELN (elastin; plus strand). Cytogenetic location: 7q11.23.
Variant type: single nucleotide variant.
Coding change: c.2032+1G>A on transcript NM_000501.4 (MANE Select); the canonical splice donor site of the intron after coding-DNA position 2032, G replaced by A.
Molecular consequence: splice donor variant.
Genome position (GRCh38, 1-based): chr7:74,065,733, G>A. VCF-style: chr7-74065733-G-A. GRCh37 (hg19) VCF-style: chr7-73480063-G-A.
Other names: c.2047+1G>A (NM_001081754.3); c.1990+1G>A (NM_001081753.3); c.2218+1G>A (NM_001278939.2); c.2050+1G>A (NM_001278915.2); c.2032+1G>A (NM_001278912.2); c.1975+1G>A (NM_001081755.3); c.1888+1G>A (NM_001278916.2); c.1789+1G>A (NM_001278913.2); and 4 more.
Identifiers: ClinVar variation 1322822 (VCV001322822.15), dbSNP rs781859711, ClinGen allele CA4293344.

ClinVar aggregate classification (germline): Conflicting classifications of pathogenicity. Review status: criteria provided, conflicting classifications (1 of 4 stars). 4 submissions from 4 submitters: Pathogenic (1); Likely pathogenic (1); Uncertain significance (2). Last evaluated 2025-03-24.

Conditions:
Cutis laxa, autosomal dominant 1 (ADCL1). Also called: ELN-Related Cutis Laxa. Identifiers: Orphanet 90348, MedGen C3276539, MONDO:0007411, OMIM 123700. Disease mechanism: Dominant Negative.
Supravalvar aortic stenosis (SVAS). Also called: Supravalvar aortic stenosis, Eisenberg type. Identifiers: Orphanet 3193, MedGen C0003499, MONDO:0008504, OMIM 185500, HP:0004381.

Allele frequency attached by ClinVar (database versions not stated): gnomAD 0.00001; TOPMed 0.00002; gnomAD exomes below 0.00001; ExAC 0.00001.
gnomAD v4.1: 4 of 1,613,864 alleles (0.00025%); highest among the groups gnomAD compares: East Asian, 0.0067%; no homozygotes.

Submissions (4):

Dasa
Classification: Uncertain significance for Cutis laxa, autosomal dominant 1. Last evaluated: 2025-03-24. Review status: criteria provided, single submitter. Criteria: DASA Assertion Criteria. Collection method: clinical testing. Allele origin: germline.
Comment: NM_000501.4(ELN):c.2032+1G>A affects a canonical splice site and is predicted to disrupt normal RNA splicing. This variant is rare in population databases. The currently available literature and clinical evidence are not sufficient to establish a definitive association between this variant and the reported condition. Therefore, this variant is classified as a variant of uncertain significance.

Labcorp Genetics (formerly Invitae), Labcorp
Classification: Likely pathogenic for Supravalvar aortic stenosis. Last evaluated: 2022-07-06. Review status: criteria provided, single submitter. Criteria: Invitae Variant Classification Sherloc (09022015). Collection method: clinical testing. Allele origin: germline.
Comment: In summary, the currently available evidence indicates that the variant is pathogenic, but additional data are needed to prove that conclusively. Therefore, this variant has been classified as Likely Pathogenic. Algorithms developed to predict the effect of sequence changes on RNA splicing suggest that this variant may disrupt the consensus splice site. ClinVar contains an entry for this variant (Variation ID: 1322822). This variant has not been reported in the literature in individuals affected with ELN-related conditions. This variant is present in population databases (rs781859711, gnomAD 0.006%). This sequence change affects a donor splice site in intron 31 of the ELN gene. It is expected to disrupt RNA splicing. Variants that disrupt the donor or acceptor splice site typically lead to a loss of protein function (PMID: 16199547), and loss-of-function variants in ELN are known to be pathogenic (PMID: 11175284).

Revvity Omics, Revvity
Classification: Pathogenic. Last evaluated: 2020-07-21. Review status: criteria provided, single submitter. Criteria: ACMG Guidelines, 2015. Collection method: clinical testing. Allele origin: germline.

Juno Genomics, Hangzhou Juno Genomics, Inc
Classification: Uncertain significance for Supravalvar aortic stenosis; Cutis laxa, autosomal dominant 1. Review status: criteria provided, single submitter. Criteria: ACMG Guidelines, 2015. Collection method: clinical testing. Allele origin: germline.
Comment: Absent from controls (or at extremely low frequency if recessive) in Genome Aggregation Database.;Null variant in a gene where loss of function (LOF) is a known mechanism of disease.

Literature cited by the submitters: PubMed 16199547 (cited by Labcorp Genetics (formerly Invitae), Labcorp); PubMed 11175284 (cited by Labcorp Genetics (formerly Invitae), Labcorp).